The following is an entry in ClinVar:

NM_014319.5(LEMD3):c.938G>C (p.Gly313Ala)

Gene: LEMD3 (LEM domain containing 3; plus strand). Cytogenetic location: 12q14.3.
Variant type: single nucleotide variant.
Coding change: c.938G>C on transcript NM_014319.5 (MANE Select); coding-DNA position 938, G replaced by C.
Protein change: p.Gly313Ala; replaces glycine 313 with alanine.
Molecular consequence: missense variant.
Genome position (GRCh38, 1-based): chr12:65,170,534, G>C. VCF-style: chr12-65170534-G-C. GRCh37 (hg19) VCF-style: chr12-65564314-G-C.
Other names: c.938G>C, p.Gly313Ala (NM_001167614.2); c.938G>C (NM_014319.4); short protein forms G313A.
Identifiers: ClinVar variation 2994384 (VCV002994384.4), dbSNP rs201615997, ClinGen allele CA6670807.

ClinVar aggregate classification (germline): Uncertain significance. Review status: criteria provided, multiple submitters, no conflicts (2 of 4 stars). 2 submissions from 2 submitters: Uncertain significance (2). Last evaluated 2025-08-26.

Conditions:
Inborn genetic diseases. Identifiers: MedGen C0950123, MeSH D030342.

gnomAD v4.1: 22 of 1,613,990 alleles (0.0014%); highest among the groups gnomAD compares: South Asian, 0.0033%; no homozygotes.

Submissions (2):

Ambry Genetics
Classification: Uncertain significance for Inborn genetic diseases. Last evaluated: 2025-08-26. Review status: criteria provided, single submitter. Criteria: Ambry Variant Classification Scheme 2023. Collection method: clinical testing. Allele origin: germline.

Labcorp Genetics (formerly Invitae), Labcorp
Classification: Uncertain significance. Last evaluated: 2023-02-19. Review status: criteria provided, single submitter. Criteria: Invitae Variant Classification Sherloc (09022015). Collection method: clinical testing. Allele origin: germline.
Comment: In summary, the available evidence is currently insufficient to determine the role of this variant in disease. Therefore, it has been classified as a Variant of Uncertain Significance. Advanced modeling of protein sequence and biophysical properties (such as structural, functional, and spatial information, amino acid conservation, physicochemical variation, residue mobility, and thermodynamic stability) performed at Invitae indicates that this missense variant is not expected to disrupt LEMD3 protein function. This variant has not been reported in the literature in individuals affected with LEMD3-related conditions. This variant is present in population databases (rs201615997, gnomAD 0.04%). This sequence change replaces glycine, which is neutral and non-polar, with alanine, which is neutral and non-polar, at codon 313 of the LEMD3 protein (p.Gly313Ala).